The following is an entry in ClinVar:

ClinVar aggregate classification (germline): Uncertain significance (1 of 4 stars; one submission).

Conditions:
Fanconi anemia complementation group J. Also called: BRIP1-Related Fanconi Anemia. Identifiers: Orphanet 84, MedGen C1836860, MONDO:0012187, OMIM 609054.
Familial cancer of breast. Also called: Hereditary breast cancer; hereditary breast carcinoma; BREAST CANCER, FAMILIAL. Identifiers: Orphanet 227535, MedGen C0346153, MONDO:0016419, OMIM 114480. Disease mechanism: loss of function.

Submission:

Labcorp Genetics (formerly Invitae), Labcorp
Classification: Uncertain significance for Familial cancer of breast; Fanconi anemia complementation group J. Last evaluated: 2023-05-27. Review status: criteria provided, single submitter. Criteria: Invitae Variant Classification Sherloc (09022015). Collection method: clinical testing. Allele origin: germline.
Comment: ClinVar contains an entry for this variant (Variation ID: 1933390). This variant is not present in population databases (gnomAD no frequency). This variant has not been reported in the literature in individuals affected with BRIP1-related conditions. Advanced modeling of protein sequence and biophysical properties (such as structural, functional, and spatial information, amino acid conservation, physicochemical variation, residue mobility, and thermodynamic stability) performed at Invitae indicates that this missense variant is not expected to disrupt BRIP1 protein function. In summary, the available evidence is currently insufficient to determine the role of this variant in disease. Therefore, it has been classified as a Variant of Uncertain Significance. This sequence change replaces threonine, which is neutral and polar, with proline, which is neutral and non-polar, at codon 900 of the BRIP1 protein (p.Thr900Pro).

NM_032043.3(BRIP1):c.2698A>C (p.Thr900Pro)

Gene: BRIP1 (BRCA1 interacting DNA helicase 1; minus strand). Cytogenetic location: 17q23.2.
Variant type: single nucleotide variant.
Coding change: c.2698A>C on transcript NM_032043.3 (MANE Select); coding-DNA position 2698, A replaced by C.
Protein change: p.Thr900Pro; replaces threonine 900 with proline.
Molecular consequence: missense variant.
Genome position (GRCh38, 1-based): chr17:61,686,043, T>G on the plus strand (A>C on the coding strand, the complement: BRIP1 is on the minus strand). VCF-style: chr17-61686043-T-G. GRCh37 (hg19) VCF-style: chr17-59763404-T-G.
Other names: short protein forms T900P.
Identifiers: ClinVar variation 1933390 (VCV001933390.5), dbSNP rs2144114693, ClinGen allele CA400481718.